The following is an entry in ClinVar:

ClinVar aggregate classification (germline): Uncertain significance (1 of 4 stars; one submission).

gnomAD v4.1: 6 of 1,613,988 alleles (0.00037%); highest among the groups gnomAD compares: East Asian, 0.011%; no homozygotes.

Submission:

Labcorp Genetics (formerly Invitae), Labcorp
Classification: Uncertain significance. Last evaluated: 2025-12-15. Review status: criteria provided, single submitter. Criteria: Invitae Variant Classification Sherloc (09022015). Collection method: clinical testing. Allele origin: germline.
Comment: This sequence change replaces proline, which is neutral and non-polar, with alanine, which is neutral and non-polar, at codon 861 of the ASXL2 protein (p.Pro861Ala). This variant is present in population databases (rs761687836, gnomAD 0.01%). This variant has not been reported in the literature in individuals affected with ASXL2-related conditions. Invitae Evidence Modeling of protein sequence and biophysical properties (such as structural, functional, and spatial information, amino acid conservation, physicochemical variation, residue mobility, and thermodynamic stability) indicates that this missense variant is not expected to disrupt ASXL2 protein function with a negative predictive value of 80%. In summary, the available evidence is currently insufficient to determine the role of this variant in disease. Therefore, it has been classified as a Variant of Uncertain Significance.

NM_018263.6(ASXL2):c.2581C>G (p.Pro861Ala)

Gene: ASXL2 (ASXL transcriptional regulator 2; minus strand). Cytogenetic location: 2p23.3.
Variant type: single nucleotide variant.
Coding change: c.2581C>G on transcript NM_018263.6 (MANE Select); coding-DNA position 2581, C replaced by G.
Protein change: p.Pro861Ala; replaces proline 861 with alanine.
Molecular consequence: missense variant.
Genome position (GRCh38, 1-based): chr2:25,743,756, G>C on the plus strand (C>G on the coding strand, the complement: ASXL2 is on the minus strand). VCF-style: chr2-25743756-G-C. GRCh37 (hg19) VCF-style: chr2-25966625-G-C.
Other names: c.2407C>G, p.Pro803Ala (NM_001369346.1); c.1801C>G, p.Pro601Ala (NM_001369347.1); short protein forms P861A, P601A, P803A.
Identifiers: ClinVar variation 4750247 (VCV004750247.1).
Genomic context (GRCh38, chr2:25,743,756, plus strand): 5'-CCACTGGCACACTAGCATCTGTCTTTGATGAGGCTGAAGGGTTAGGTATATTCTTACTAG[G>C]ACCTGCTTTGAGCTCAACTGTGCCATCAGCTGCACAATGAACAGGTGAGGCACCTGAGAT-3'
Protein context (NP_060733.4, residues 851-871): ADGTVELKAG[Pro861Ala]SKNIPNPSAS